The following is an entry in ClinVar:

ClinVar aggregate classification (germline): Uncertain significance. Review status: criteria provided, multiple submitters, no conflicts (2 of 4 stars). 3 submissions from 3 submitters: Uncertain significance (3). Last evaluated 2025-10-23.

Conditions:
Pseudohypoaldosteronism type 2B (PHA2B). Also called: Pseudohypoaldosteronism Type IIB. Identifiers: Orphanet 757, Orphanet 88939, MedGen C1840390, MONDO:0013777, OMIM 614491.

Allele frequency attached by ClinVar (database versions not stated): ExAC 0.00001; gnomAD exomes 0.00001; TOPMed 0.00001; gnomAD 0.00002.
gnomAD v4.1: 25 of 1,613,930 alleles (0.0015%); highest among the groups gnomAD compares: Non-Finnish European, 0.0021%; no homozygotes.

Submissions (3):

Labcorp Genetics (formerly Invitae), Labcorp
Classification: Uncertain significance. Last evaluated: 2025-10-23. Review status: criteria provided, single submitter. Criteria: Invitae Variant Classification Sherloc (09022015). Collection method: clinical testing. Allele origin: germline.
Comment: This sequence change replaces serine, which is neutral and polar, with leucine, which is neutral and non-polar, at codon 1147 of the WNK4 protein (p.Ser1147Leu). This variant is present in population databases (rs768159533, gnomAD 0.002%). This variant has not been reported in the literature in individuals affected with WNK4-related conditions. ClinVar contains an entry for this variant (Variation ID: 891896). Invitae Evidence Modeling of protein sequence and biophysical properties (such as structural, functional, and spatial information, amino acid conservation, physicochemical variation, residue mobility, and thermodynamic stability) indicates that this missense variant is not expected to disrupt WNK4 protein function with a negative predictive value of 95%. In summary, the available evidence is currently insufficient to determine the role of this variant in disease. Therefore, it has been classified as a Variant of Uncertain Significance.

Fulgent Genetics
Classification: Uncertain significance for Pseudohypoaldosteronism type 2B. Last evaluated: 2024-04-29. Review status: criteria provided, single submitter. Criteria: ACMG Guidelines, 2015. Collection method: clinical testing. Allele origin: germline.

Illumina Laboratory Services, Illumina
Classification: Uncertain significance for Pseudohypoaldosteronism type 2B. Last evaluated: 2018-01-13. Review status: criteria provided, single submitter. Criteria: ICSL Variant Classification Criteria 13 December 2019. Collection method: clinical testing. Allele origin: germline.

NM_032387.5(WNK4):c.3440C>T (p.Ser1147Leu)

Gene: WNK4 (WNK lysine deficient protein kinase 4; plus strand). Cytogenetic location: 17q21.2.
Variant type: single nucleotide variant.
Coding change: c.3440C>T on transcript NM_032387.5 (MANE Select); coding-DNA position 3440, C replaced by T.
Protein change: p.Ser1147Leu; replaces serine 1147 with leucine.
Molecular consequence: missense variant.
Genome position (GRCh38, 1-based): chr17:42,796,131, C>T. VCF-style: chr17-42796131-C-T. GRCh37 (hg19) VCF-style: chr17-40948149-C-T.
Other names: c.2432C>T, p.Ser811Leu (NM_001321299.2); short protein forms S1147L, S811L.
Identifiers: ClinVar variation 891896 (VCV000891896.6), dbSNP rs768159533, ClinGen allele CA8584600.
Genomic context (GRCh38, chr17:42,796,131, plus strand): 5'-TGGGAGAGCAAGGTGTGTGGCTAGCCCTTTCATGCCCTCCGTGCATCCTCAGGCACTTGT[C>T]AGAGGTGGAAACACTACAGACACTACAGAAAAAAGAAATTGAAGATTTGTACAGCCGGCT-3'
Protein context (NP_115763.2, residues 1137-1157): ELQSLRQKHL[Ser1147Leu]EVETLQTLQK